The following is an entry in ClinVar:

NM_001349253.2(SCN11A):c.52C>A (p.Pro18Thr)

Gene: SCN11A (sodium voltage-gated channel alpha subunit 11; minus strand). Cytogenetic location: 3p22.2.
Variant type: single nucleotide variant.
Coding change: c.52C>A on transcript NM_001349253.2 (MANE Select); coding-DNA position 52, C replaced by A.
Protein change: p.Pro18Thr; replaces proline 18 with threonine.
Molecular consequence: missense variant.
Genome position (GRCh38, 1-based): chr3:38,950,311, G>T on the plus strand (C>A on the coding strand, the complement: SCN11A is on the minus strand). VCF-style: chr3-38950311-G-T. GRCh37 (hg19) VCF-style: chr3-38991802-G-T.
Other names: c.52C>A, p.Pro18Thr (NM_014139.3); c.52C>A (NM_014139.2); short protein forms P18T.
Identifiers: ClinVar variation 3758422 (VCV003758422.3).

ClinVar aggregate classification (germline): Uncertain significance. Review status: criteria provided, multiple submitters, no conflicts (2 of 4 stars). 2 submissions from 2 submitters: Uncertain significance (2). Last evaluated 2026-03-18.

Conditions:
SCN11A-related disorder. Also called: SCN11A-related condition.
Hereditary sensory and autonomic neuropathy type 7. Also called: HSAN VII; Neuropathy, hereditary sensory and autonomic, type VII. Identifiers: Orphanet 391397, MedGen C3809882, MONDO:0014244, OMIM 615548.
Familial episodic pain syndrome with predominantly lower limb involvement. Also called: Episodic pain syndrome, familial, 3. Identifiers: Orphanet 391384, Orphanet 391392, MedGen C3809899, MONDO:0014247, OMIM 615552.

gnomAD v4.1: 8 of 1,613,808 alleles (0.0005%); highest among the groups gnomAD compares: Admixed American, 0.0017%; no homozygotes.

Submissions (2):

PreventionGenetics, part of Exact Sciences
Classification: Uncertain significance for SCN11A-related condition. Last evaluated: 2026-03-18. Review status: criteria provided, single submitter. Criteria: ACMG Guidelines, 2015. Collection method: clinical testing. Allele origin: germline.
Comment: The SCN11A c.52C>A variant is predicted to result in the amino acid substitution p.Pro18Thr. To our knowledge, this variant has not been reported in the literature or in a large population database (gnomAD), indicating this variant is rare. At this time, the clinical significance of this variant is uncertain due to the absence of conclusive functional and genetic evidence.

Labcorp Genetics (formerly Invitae), Labcorp
Classification: Uncertain significance for Familial episodic pain syndrome with predominantly lower limb involvement; Hereditary sensory and autonomic neuropathy type 7. Last evaluated: 2024-08-19. Review status: criteria provided, single submitter. Criteria: Invitae Variant Classification Sherloc (09022015). Collection method: clinical testing. Allele origin: germline.
Comment: This sequence change replaces proline, which is neutral and non-polar, with threonine, which is neutral and polar, at codon 18 of the SCN11A protein (p.Pro18Thr). This variant is not present in population databases (gnomAD no frequency). This variant has not been reported in the literature in individuals affected with SCN11A-related conditions. Invitae Evidence Modeling of protein sequence and biophysical properties (such as structural, functional, and spatial information, amino acid conservation, physicochemical variation, residue mobility, and thermodynamic stability) indicates that this missense variant is expected to disrupt SCN11A protein function with a positive predictive value of 80%. In summary, the available evidence is currently insufficient to determine the role of this variant in disease. Therefore, it has been classified as a Variant of Uncertain Significance.